The following is an entry in ClinVar:

NM_000719.7(CACNA1C):c.3937C>T (p.Pro1313Ser)

Gene: CACNA1C (calcium voltage-gated channel subunit alpha1 C; plus strand). Cytogenetic location: 12p13.33.
Variant type: single nucleotide variant.
Coding change: c.3937C>T on transcript NM_000719.7 (MANE Select); coding-DNA position 3937, C replaced by T.
Protein change: p.Pro1313Ser; replaces proline 1313 with serine.
Molecular consequence: missense variant. On other transcripts: intron variant (6).
Genome position (GRCh38, 1-based): chr12:2,648,499, C>T. VCF-style: chr12-2648499-C-T. GRCh37 (hg19) VCF-style: chr12-2757665-C-T.
Other names: c.4081C>T, p.Pro1361Ser (NM_001129827.2, NM_199460.4); c.3937C>T, p.Pro1313Ser (NM_001129829.2, NM_001129830.3, NM_001129833.2 and 8 more transcripts); c.4021C>T, p.Pro1341Ser (NM_001129831.2); c.3997C>T, p.Pro1333Ser (NM_001129832.2); c.3913-3141C>T (NM_001167625.2, NM_001129837.2, NM_001129838.2 and 1 more transcripts); c.3907-3141C>T (NM_001129839.2); c.3997-3141C>T (NM_001129836.2); c.3928C>T, p.Pro1310Ser (NM_001129844.2); short protein forms P1310S, P1313S, P1333S, P1341S, P1361S.
Identifiers: ClinVar variation 3605902 (VCV003605902.2).
Genomic context (GRCh38, chr12:2,648,499, plus strand): 5'-TCATTACAGCTTATCTCTATCTGCCTTTCTTTAAAGCCAGCTGAACATACCCAATGCTCT[C>T]CCTCTATGGTAAGACCAACCCTCCCGACCATGCTCCCGGCTTCCGTGTCCCCCTCTAACA-3'
Protein context (NP_000710.5, residues 1303-1323): VNPAEHTQCS[Pro1313Ser]SMNAEENSRI

ClinVar aggregate classification (germline): Uncertain significance. Review status: criteria provided, multiple submitters, no conflicts (2 of 4 stars). 2 submissions from 2 submitters: Uncertain significance (2). Last evaluated 2025-12-30.

Conditions:
Long QT syndrome (LQTS). Identifiers: MedGen C0023976, MeSH D008133, MONDO:0002442. Disease mechanism: loss of function. Inheritance: Various modes of inheritance.
Cardiovascular phenotype. Identifiers: MedGen CN230736.

gnomAD v4.1: 2 of 1,613,782 alleles (0.00012%); highest among the groups gnomAD compares: African/African-American, 0.0013%; no homozygotes.

Submissions (2):

Ambry Genetics
Classification: Uncertain significance for Cardiovascular phenotype. Last evaluated: 2025-12-30. Review status: criteria provided, single submitter. Criteria: Ambry Variant Classification Scheme 2023. Collection method: clinical testing. Allele origin: germline.
Comment: The p.P1313S variant (also known as c.3937C>T), located in coding exon 31 of the CACNA1C gene, results from a C to T substitution at nucleotide position 3937. The proline at codon 1313 is replaced by serine, an amino acid with similar properties. This amino acid position is conserved. In addition, the in silico prediction for this alteration is inconclusive. Based on the available evidence, the clinical significance of this variant remains unclear.

Labcorp Genetics (formerly Invitae), Labcorp
Classification: Uncertain significance for Long QT syndrome. Last evaluated: 2024-12-17. Review status: criteria provided, single submitter. Criteria: Invitae Variant Classification Sherloc (09022015). Collection method: clinical testing. Allele origin: germline.
Comment: This sequence change replaces proline, which is neutral and non-polar, with serine, which is neutral and polar, at codon 1313 of the CACNA1C protein (p.Pro1313Ser). This variant is not present in population databases (gnomAD no frequency). This variant has not been reported in the literature in individuals affected with CACNA1C-related conditions. Invitae Evidence Modeling of protein sequence and biophysical properties (such as structural, functional, and spatial information, amino acid conservation, physicochemical variation, residue mobility, and thermodynamic stability) indicates that this missense variant is not expected to disrupt CACNA1C protein function with a negative predictive value of 95%. In summary, the available evidence is currently insufficient to determine the role of this variant in disease. Therefore, it has been classified as a Variant of Uncertain Significance.